The following is an entry in ClinVar:

ClinVar aggregate classification (germline): Uncertain significance (1 of 4 stars; one submission).

Conditions:
Inborn genetic diseases. Identifiers: MedGen C0950123, MeSH D030342.

Submission:

Ambry Genetics
Classification: Uncertain significance for Inborn genetic diseases. Last evaluated: 2024-06-09. Review status: criteria provided, single submitter. Criteria: Ambry Variant Classification Scheme 2023. Collection method: clinical testing. Allele origin: germline.
Comment: The p.I71M variant (also known as c.213C>G), located in coding exon 4 of the ERCC2 gene, results from a C to G substitution at nucleotide position 213. The isoleucine at codon 71 is replaced by methionine, an amino acid with highly similar properties. This amino acid position is conserved. In addition, this alteration is predicted to be deleterious by in silico analysis. Based on the available evidence, the clinical significance of this variant remains unclear.

NM_000400.4(ERCC2):c.213C>G (p.Ile71Met)

Gene: ERCC2 (ERCC excision repair 2, TFIIH core complex helicase subunit; minus strand). Cytogenetic location: 19q13.32.
Variant type: single nucleotide variant.
Coding change: c.213C>G on transcript NM_000400.4 (MANE Select); coding-DNA position 213, C replaced by G.
Protein change: p.Ile71Met; replaces isoleucine 71 with methionine.
Molecular consequence: missense variant.
Genome position (GRCh38, 1-based): chr19:45,368,963, G>C on the plus strand (C>G on the coding strand, the complement: ERCC2 is on the minus strand). VCF-style: chr19-45368963-G-C. GRCh37 (hg19) VCF-style: chr19-45872221-G-C.
Other names: c.141C>G, p.Ile47Met (NM_001130867.2); short protein forms I71M, I47M.
Identifiers: ClinVar variation 3276286 (VCV003276286.1).